The following is an entry in ClinVar:

NM_006904.7(PRKDC):c.509-4T>G

Gene: PRKDC (protein kinase, DNA-activated, catalytic subunit; minus strand). Cytogenetic location: 8q11.21.
Variant type: single nucleotide variant.
Coding change: c.509-4T>G on transcript NM_006904.7 (MANE Select); 4 bases into the intron before coding-DNA position 509, T replaced by G.
Molecular consequence: intron variant.
Genome position (GRCh38, 1-based): chr8:47,953,923, A>C on the plus strand (T>G on the coding strand, the complement: PRKDC is on the minus strand). VCF-style: chr8-47953923-A-C. GRCh37 (hg19) VCF-style: chr8-48866483-A-C.
Other names: c.509-4T>G (NM_001081640.2).
Identifiers: ClinVar variation 1109219 (VCV001109219.32), dbSNP rs200774352, ClinGen allele CA4741996.

ClinVar aggregate classification (germline): Conflicting classifications of pathogenicity. Review status: criteria provided, conflicting classifications (1 of 4 stars). 2 submissions from 2 submitters: Uncertain significance (1); Likely benign (1). Last evaluated 2025-05-27.

Conditions:
Severe combined immunodeficiency due to DNA-PKcs deficiency. Also called: IMMUNODEFICIENCY 26 WITH NEUROLOGIC ABNORMALITIES; Immunodeficiency 26 with or without neurologic abnormalities. Identifiers: Orphanet 317425, MedGen C4014833, MONDO:0014423, OMIM 615966.

Submissions (2):

Labcorp Genetics (formerly Invitae), Labcorp
Classification: Likely benign for Severe combined immunodeficiency due to DNA-PKcs deficiency. Last evaluated: 2025-05-27. Review status: criteria provided, single submitter. Criteria: Invitae Variant Classification Sherloc (09022015). Collection method: clinical testing. Allele origin: germline.

CeGaT Center for Human Genetics Tuebingen
Classification: Uncertain significance. Last evaluated: 2023-04-01. Review status: criteria provided, single submitter. Criteria: CeGaT Center For Human Genetics Tuebingen Variant Classification Criteria Version 2. Collection method: clinical testing. Allele origin: germline. Affected: yes. Observed: 1 variant allele.
Comment: PRKDC: BP4